The following is an entry in ClinVar:

NM_001376.5(DYNC1H1):c.2277C>T (p.Arg759=)

Gene: DYNC1H1 (dynein cytoplasmic 1 heavy chain 1; plus strand). Cytogenetic location: 14q32.31.
Variant type: single nucleotide variant.
Coding change: c.2277C>T on transcript NM_001376.5 (MANE Select); coding-DNA position 2277, C replaced by T.
Protein change: p.Arg759=; no amino-acid change (arginine 759 retained).
Molecular consequence: synonymous variant.
Genome position (GRCh38, 1-based): chr14:101,986,502, C>T. VCF-style: chr14-101986502-C-T. GRCh37 (hg19) VCF-style: chr14-102452839-C-T.
Identifiers: ClinVar variation 697099 (VCV000697099.12), dbSNP rs577000800, ClinGen allele CA7351790.

ClinVar aggregate classification (germline): Benign/Likely benign. Review status: criteria provided, multiple submitters, no conflicts (2 of 4 stars). 3 submissions from 3 submitters: Benign (1); Likely benign (2). Last evaluated 2026-07-06.

Conditions:
DYNC1H1-related disorder. Also called: DYNC1H1-related condition; DYNC1H1-related disorders. Identifiers: MedGen CN381529.
Charcot-Marie-Tooth disease axonal type 2O. Also called: CHARCOT-MARIE-TOOTH NEUROPATHY, AXONAL, TYPE 2O; CHARCOT-MARIE-TOOTH DISEASE, AXONAL, AUTOSOMAL DOMINANT, TYPE 2O; Charcot-Marie-Tooth Neuropathy Type 2O; Charcot-Marie-Tooth disease, axonal, type 20. Identifiers: Orphanet 284232, MedGen C3280220, MONDO:0013644, OMIM 614228.

Allele frequency attached by ClinVar (database versions not stated): gnomAD 0.00002 and 0.00005; TOPMed 0.00002; ExAC 0.00004.
gnomAD v4.1: 35 of 1,614,138 alleles (0.0022%); highest among the groups gnomAD compares: East Asian, 0.018%; no homozygotes.

Submissions (3):

PreventionGenetics, part of Exact Sciences
Classification: Likely benign for DYNC1H1-related condition. Last evaluated: 2026-07-06. Review status: criteria provided, single submitter. Criteria: ACMG Guidelines, 2015. Collection method: clinical testing. Allele origin: germline.
Comment: This variant is classified as likely benign based on ACMG/AMP sequence variant interpretation guidelines (Richards et al. 2015 PMID: 25741868, with internal and published modifications).

Women's Health and Genetics/Laboratory Corporation of America, LabCorp
Classification: Benign. Last evaluated: 2026-05-28. Review status: criteria provided, single submitter. Criteria: LabCorp Variant Classification Summary - May 2015. Collection method: clinical testing. Allele origin: germline.

Labcorp Genetics (formerly Invitae), Labcorp
Classification: Likely benign for Charcot-Marie-Tooth disease axonal type 2O. Last evaluated: 2025-02-21. Review status: criteria provided, single submitter. Criteria: Invitae Variant Classification Sherloc (09022015). Collection method: clinical testing. Allele origin: germline.